The following is an entry in ClinVar:

NM_001365902.3(NFIX):c.410T>G (p.Phe137Cys)

Gene: NFIX (nuclear factor I X; plus strand). Cytogenetic location: 19p13.13.
Variant type: single nucleotide variant.
Coding change: c.410T>G on transcript NM_001365902.3 (MANE Select); coding-DNA position 410, T replaced by G.
Protein change: p.Phe137Cys; replaces phenylalanine 137 with cysteine.
Molecular consequence: missense variant.
Genome position (GRCh38, 1-based): chr19:13,025,403, T>G. VCF-style: chr19-13025403-T-G. GRCh37 (hg19) VCF-style: chr19-13136217-T-G.
Other names: c.434T>G, p.Phe145Cys (NM_001271043.2); c.386T>G, p.Phe129Cys (NM_001271044.3, NM_001378404.1); c.410T>G, p.Phe137Cys (NM_001365982.2, NM_002501.4); c.269T>G, p.Phe90Cys (NM_001365983.2); c.407T>G, p.Phe136Cys (NM_001365984.2, NM_001365985.2); c.458T>G, p.Phe153Cys (NM_001378405.1); short protein forms F129C, F136C, F137C, F145C, F153C, F90C.
Identifiers: ClinVar variation 3382599 (VCV003382599.2).

ClinVar aggregate classification (germline): Likely pathogenic (1 of 4 stars; one submission).

Conditions:
Malan overgrowth syndrome (MALNS). Also called: MALAN SYNDROME; NFIX-Related Malan Syndrome; Sotos syndrome 2. Identifiers: Orphanet 420179, MedGen C3553660, MONDO:0013885, OMIM 614753.
Marshall-Smith syndrome (MRSHSS). Identifiers: Orphanet 561, MedGen C0265211, MONDO:0011244, OMIM 602535.

Submission:

Juno Genomics, Hangzhou Juno Genomics, Inc
Classification: Likely pathogenic for Malan overgrowth syndrome; Marshall-Smith syndrome. Review status: criteria provided, single submitter. Criteria: ACMG Guidelines, 2015. Collection method: clinical testing. Allele origin: germline. Affected: yes.
Comment: Absent from controls (or at extremely low frequency if recessive) in Genome Aggregation Database, Exome Sequencing Project, 1000 Genomes Project, or Exome Aggregation Consortium.;De novo (both maternity and paternity confirmed) in a patient with the disease and no family history.;Multiple lines of computational evidence support a deleterious effect on the gene or gene product (conservation, evolutionary, splicing impact, etc).